The following is an entry in ClinVar:

NM_024422.6(DSC2):c.348A>G (p.Gln116=)

Gene: DSC2 (desmocollin 2; minus strand). Cytogenetic location: 18q12.1.
Variant type: single nucleotide variant.
Coding change: c.348A>G on transcript NM_024422.6 (MANE Select); coding-DNA position 348, A replaced by G.
Protein change: p.Gln116=; no amino-acid change (glutamine 116 retained).
Molecular consequence: synonymous variant.
Genome position (GRCh38, 1-based): chr18:31,092,107, T>C on the plus strand (A>G on the coding strand, the complement: DSC2 is on the minus strand). VCF-style: chr18-31092107-T-C. GRCh37 (hg19) VCF-style: chr18-28672070-T-C.
Other names: c.348A>G, p.Gln116= (NM_004949.5).
Identifiers: ClinVar variation 163192 (VCV000163192.69), dbSNP rs137941742, ClinGen allele CA022802.

ClinVar aggregate classification (germline): Benign/Likely benign. Review status: criteria provided, multiple submitters, no conflicts (2 of 4 stars). 15 submissions from 15 submitters: Benign (2); Likely benign (10). 3 of the submissions do not count toward it. Last evaluated 2026-01-18.

Conditions:
Cardiovascular phenotype. Identifiers: MedGen CN230736.
Familial isolated arrhythmogenic right ventricular dysplasia. Identifiers: Orphanet 217656, MedGen C4274968, MONDO:0016342.
Cardiomyopathy (CMYO). Also called: Cardiomyopathies. Identifiers: Orphanet 167848, MedGen C0878544, MONDO:0004994, HP:0001638. Inheritance: Various modes of inheritance.
Arrhythmogenic right ventricular dysplasia 11. Also called: Arrhythmogenic Right Ventricular Dysplasia/Cardiomyopathy11; ARRHYTHMOGENIC RIGHT VENTRICULAR DYSPLASIA, FAMILIAL, 11; Arrhythmogenic right ventricular dysplasia 11 with mild palmoplantar keratoderma and woolly hair. Identifiers: MedGen C1864850, MONDO:0012506, OMIM 610476.

Allele frequency attached by ClinVar (database versions not stated): gnomAD 0.00021 and 0.00025; ExAC 0.00024; gnomAD exomes 0.00028; ESP Exome Variant Server 0.00031; TOPMed 0.00031.
gnomAD v4.1: 574 of 1,612,054 alleles (0.036%); highest among the groups gnomAD compares: South Asian, 0.099%; 1 homozygote.

Submissions (15):

Labcorp Genetics (formerly Invitae), Labcorp
Classification: Likely benign for Arrhythmogenic right ventricular dysplasia 11. Last evaluated: 2026-01-18. Review status: criteria provided, single submitter. Criteria: Invitae Variant Classification Sherloc (09022015). Collection method: clinical testing. Allele origin: germline.

Molecular Diagnostic Laboratory for Inherited Cardiovascular Disease, Montreal Heart Institute
Classification: Likely benign. Last evaluated: 2025-04-09. Review status: criteria provided, single submitter. Criteria: ACMG Guidelines, 2015. Collection method: clinical testing. Allele origin: germline. Affected: no.

ARUP Laboratories, Molecular Genetics and Genomics, ARUP Laboratories
Classification: Likely benign. Last evaluated: 2025-01-16. Review status: criteria provided, single submitter. Criteria: ARUP Molecular Germline Variant Investigation Process 2024. Collection method: clinical testing. Allele origin: germline.

Blueprint Genetics
Classification: Likely benign. Last evaluated: 2024-11-21. Review status: criteria provided, single submitter. Criteria: ACMG Guidelines, 2015. Collection method: clinical testing. Allele origin: germline.

Women's Health and Genetics/Laboratory Corporation of America, LabCorp
Classification: Benign. Last evaluated: 2024-03-11. Review status: criteria provided, single submitter. Criteria: LabCorp Variant Classification Summary - May 2015. Collection method: clinical testing. Allele origin: germline.

All of Us Research Program, National Institutes of Health
Classification: Likely benign for Familial isolated arrhythmogenic right ventricular dysplasia. Last evaluated: 2024-02-05. Review status: criteria provided, single submitter. Criteria: ACMG Guidelines, 2015. Collection method: clinical testing. Allele origin: germline. Inheritance: Autosomal dominant inheritance. Observed: 65 variant alleles, 65 heterozygotes.
Comment: This study involves interpretation of variants in research participants for the purpose of population health screening. Participant phenotype was not available at the time of variant classification. Additional details can be found in publication PMID: 35346344, PMCID: PMC8962531

CeGaT Center for Human Genetics Tuebingen
Classification: Likely benign. Last evaluated: 2023-01-01. Review status: criteria provided, single submitter. Criteria: CeGaT Center For Human Genetics Tuebingen Variant Classification Criteria Version 2. Collection method: clinical testing. Allele origin: germline. Affected: yes. Observed: 2 variant alleles.
Comment: DSC2: BP4, BP7

CHEO Genetics Diagnostic Laboratory, Children's Hospital of Eastern Ontario
Classification: Likely benign for Cardiomyopathy. Last evaluated: 2021-05-10. Review status: criteria provided, single submitter. Criteria: ACMG Guidelines, 2015. Collection method: clinical testing. Allele origin: germline. Study: Canadian Open Genetics Repository.

Color Diagnostics, LLC DBA Color Health
Classification: Likely benign for Cardiomyopathy. Last evaluated: 2018-10-08. Review status: criteria provided, single submitter. Criteria: ACMG Guidelines, 2015. Collection method: clinical testing. Allele origin: germline.

Ambry Genetics
Classification: Likely benign for Cardiovascular phenotype. Last evaluated: 2017-04-15. Review status: criteria provided, single submitter. Criteria: Ambry Variant Classification Scheme 2023. Collection method: clinical testing. Allele origin: germline.

GeneDx
Classification: Benign. Last evaluated: 2015-03-03. Review status: criteria provided, single submitter. Criteria: GeneDx Variant Classification Process June 2021. Collection method: clinical testing. Allele origin: germline. Affected: yes.

Laboratory for Molecular Medicine, Mass General Brigham Personalized Medicine
Classification: Likely benign. Last evaluated: 2012-03-19. Review status: criteria provided, single submitter. Criteria: LMM Criteria. Collection method: clinical testing. Allele origin: germline. Observed: 2 variant alleles.
Comment: Gln116Gln in exon 3 of DSC2: This variant is not expected to have clinical signi ficance because it does not alter an amino acid residue and is not located withi n the splice consensus sequence. It has been identified in 3/7016 European Ameri can chromosomes from a broad population by the NHLBI Exome Sequencing Project (dbSNP rs137941742).

Clinical Genetics DNA and cytogenetics Diagnostics Lab, Erasmus MC, Erasmus Medical Center
Classification: Likely benign. Review status: no assertion criteria provided. Collection method: clinical testing. Allele origin: germline. Affected: yes. Study: VKGL Data-share Consensus. Not counted in ClinVar's aggregate classification.

Clinical Genetics, Academic Medical Center
Classification: Benign. Review status: no assertion criteria provided. Collection method: clinical testing. Allele origin: germline. Affected: yes. Study: VKGL Data-share Consensus. Not counted in ClinVar's aggregate classification.

Joint Genome Diagnostic Labs from Nijmegen and Maastricht, Radboudumc and MUMC+
Classification: Likely benign. Review status: no assertion criteria provided. Collection method: clinical testing. Allele origin: germline. Affected: yes. Study: VKGL Data-share Consensus. Not counted in ClinVar's aggregate classification.